The following is an entry in ClinVar:

NM_000368.5(TSC1):c.2086C>A (p.Leu696Ile)

Gene: TSC1 (TSC complex subunit 1; minus strand). Cytogenetic location: 9q34.13.
Variant type: single nucleotide variant.
Coding change: c.2086C>A on transcript NM_000368.5 (MANE Select); coding-DNA position 2086, C replaced by A.
Protein change: p.Leu696Ile; replaces leucine 696 with isoleucine.
Molecular consequence: missense variant.
Genome position (GRCh38, 1-based): chr9:132,903,773, G>T on the plus strand (C>A on the coding strand, the complement: TSC1 is on the minus strand). VCF-style: chr9-132903773-G-T. GRCh37 (hg19) VCF-style: chr9-135779160-G-T.
Other names: c.2083C>A, p.Leu695Ile (NM_001162426.2); c.1933C>A, p.Leu645Ile (NM_001162427.2); c.1723C>A, p.Leu575Ile (NM_001362177.2); short protein forms L575I, L645I, L695I, L696I.
Identifiers: ClinVar variation 1025187 (VCV001025187.15), dbSNP rs1845506304, ClinGen allele CA375361086.
Genomic context (GRCh38, chr9:132,903,773, plus strand): 5'-TCCGGAGGGCATGCTGCTGCCTCTTAAAACGCTCATAGAGTAACTGGTTGTGCAGTAAAA[G>T]CAACTGGTCTCGGAGGGTGCGGATCTCATCTGAAGGAGGAGAGCCTGATTGTAAAGCAGA-3'
Protein context (NP_000359.1, residues 686-706): DEIRTLRDQL[Leu696Ile]LLHNQLLYER

ClinVar aggregate classification (germline): Uncertain significance. Review status: criteria provided, multiple submitters, no conflicts (2 of 4 stars). 4 submissions from 4 submitters: Uncertain significance (4). Last evaluated 2025-05-09.

Conditions:
Tuberous sclerosis 1 (TSC1). Identifiers: Orphanet 805, MedGen C1854465, MONDO:0008612, OMIM 191100.

Submissions (4):

Labcorp Genetics (formerly Invitae), Labcorp
Classification: Uncertain significance for Tuberous sclerosis 1. Last evaluated: 2025-05-09. Review status: criteria provided, single submitter. Criteria: Invitae Variant Classification Sherloc (09022015). Collection method: clinical testing. Allele origin: germline.
Comment: This sequence change replaces leucine, which is neutral and non-polar, with isoleucine, which is neutral and non-polar, at codon 696 of the TSC1 protein (p.Leu696Ile). This variant is not present in population databases (gnomAD no frequency). This variant has not been reported in the literature in individuals affected with TSC1-related conditions. ClinVar contains an entry for this variant (Variation ID: 1025187). Invitae Evidence Modeling of protein sequence and biophysical properties (such as structural, functional, and spatial information, amino acid conservation, physicochemical variation, residue mobility, and thermodynamic stability) indicates that this missense variant is not expected to disrupt TSC1 protein function with a negative predictive value of 95%. In summary, the available evidence is currently insufficient to determine the role of this variant in disease. Therefore, it has been classified as a Variant of Uncertain Significance.

Molecular Pathology, Peter Maccallum Cancer Centre
Classification: Uncertain significance for Tuberous sclerosis 1. Last evaluated: 2024-08-26. Review status: criteria provided, single submitter. Criteria: ACMG Guidelines, 2015. Collection method: clinical testing. Allele origin: germline. Inheritance: Autosomal dominant inheritance.

Genome-Nilou Lab
Classification: Uncertain significance for Tuberous sclerosis 1. Last evaluated: 2021-11-07. Review status: criteria provided, single submitter. Criteria: ACMG Guidelines, 2015. Collection method: clinical testing. Allele origin: germline. Affected: no.

Institute for Clinical Genetics, University Hospital TU Dresden, University Hospital TU Dresden
Classification: Uncertain significance. Last evaluated: 2021-11-03. Review status: criteria provided, single submitter. Criteria: ACMG Guidelines, 2015. Collection method: clinical testing. Allele origin: germline.